The following is an entry in ClinVar:

NM_006939.4(SOS2):c.1223A>T (p.His408Leu)

Gene: SOS2 (SOS Ras/Rho guanine nucleotide exchange factor 2; minus strand). Cytogenetic location: 14q21.3.
Variant type: single nucleotide variant.
Coding change: c.1223A>T on transcript NM_006939.4 (MANE Select); coding-DNA position 1223, A replaced by T.
Protein change: p.His408Leu; replaces histidine 408 with leucine.
Molecular consequence: missense variant.
Genome position (GRCh38, 1-based): chr14:50,160,060, T>A on the plus strand (A>T on the coding strand, the complement: SOS2 is on the minus strand). VCF-style: chr14-50160060-T-A. GRCh37 (hg19) VCF-style: chr14-50626778-T-A.
Other names: short protein forms H408L.
Identifiers: ClinVar variation 1699354 (VCV001699354.3), dbSNP rs2139630118, ClinGen allele CA389646286.

ClinVar aggregate classification (germline): Uncertain significance (1 of 4 stars; one submission).

Conditions:
Noonan syndrome 9 (NS9). Identifiers: Orphanet 648, MedGen C4225282, MONDO:0014691, OMIM 616559.

Submission:

Victorian Clinical Genetics Services, Murdoch Childrens Research Institute
Classification: Uncertain significance for Noonan syndrome 9. Last evaluated: 2022-06-24. Review status: criteria provided, single submitter. Criteria: ACMG Guidelines, 2015. Collection method: clinical testing. Allele origin: germline. Inheritance: Autosomal dominant inheritance. Affected: yes.
Comment: Based on the classification scheme VCGS_Germline_v1.3.4, this variant is classified as VUS-3C. Following criteria are met: 0101 - Gain of function is a known mechanism of disease in this gene and is associated with Noonan syndrome 9 (MIM#616559) (PMID: 26173643). (I) 0107 - This gene is associated with autosomal dominant disease. (I) 0200 - Variant is predicted to result in a missense amino acid change from histidine to leucine. (I) 0251 - This variant is heterozygous. (I) 0301 - Variant is absent from gnomAD (both v2 and v3). (SP) 0503 - Missense variant consistently predicted to be tolerated by multiple in silico tools or not conserved in placental mammals with a minor amino acid change. (SB) 0604 - Variant is not located in an established domain, motif, hotspot or informative constraint region. (I) 0705 - No comparable missense variants have previous evidence for pathogenicity. (I) 0807 - This variant has no previous evidence of pathogenicity. (I) 0905 - No published segregation evidence has been identified for this variant. (I) 1007 - No published functional evidence has been identified for this variant. (I) 1208 - Inheritance information for this variant is not currently available in this individual. (I) Legend: (SP) - Supporting pathogenic, (I) - Information, (SB) - Supporting benign

Literature cited by the submitters: PubMed 26173643.